The following is an entry in ClinVar:

NM_001232.4(CASQ2):c.281T>C (p.Val94Ala)

Gene: CASQ2 (calsequestrin 2; minus strand). Cytogenetic location: 1p13.1.
Variant type: single nucleotide variant.
Coding change: c.281T>C on transcript NM_001232.4 (MANE Select); coding-DNA position 281, T replaced by C.
Protein change: p.Val94Ala; replaces valine 94 with alanine.
Molecular consequence: missense variant.
Genome position (GRCh38, 1-based): chr1:115,744,866, A>G on the plus strand (T>C on the coding strand, the complement: CASQ2 is on the minus strand). VCF-style: chr1-115744866-A-G. GRCh37 (hg19) VCF-style: chr1-116287487-A-G.
Other names: c.281T>C (NM_001232.3); short protein forms V94A.
Identifiers: ClinVar variation 1435834 (VCV001435834.11), dbSNP rs755766840, ClinGen allele CA1023959.

ClinVar aggregate classification (germline): Uncertain significance. Review status: criteria provided, multiple submitters, no conflicts (2 of 4 stars). 4 submissions from 4 submitters: Uncertain significance (4). Last evaluated 2025-08-22.

Conditions:
Catecholaminergic polymorphic ventricular tachycardia 2. Also called: CASQ2-Related Catecholaminergic Polymorphic Ventricular Tachycardia; VENTRICULAR TACHYCARDIA, STRESS-INDUCED POLYMORPHIC 2. Identifiers: Orphanet 3286, MedGen C2677794, MONDO:0012762, OMIM 611938.
Cardiovascular phenotype. Identifiers: MedGen CN230736.
Catecholaminergic polymorphic ventricular tachycardia 1. Also called: VENTRICULAR TACHYCARDIA, CATECHOLAMINERGIC POLYMORPHIC, 1, WITH OR WITHOUT ATRIAL DYSFUNCTION AND/OR DILATED CARDIOMYOPATHY; RYR2-Related Catecholaminergic Polymorphic Ventricular Tachycardia; VENTRICULAR TACHYCARDIA, STRESS-INDUCED POLYMORPHIC 1. Identifiers: Orphanet 3286, MedGen C1631597, MONDO:0011484, OMIM 604772.

Allele frequency attached by ClinVar (database versions not stated): TOPMed below 0.00001; gnomAD 0.00001; gnomAD exomes 0.00001; ExAC 0.00002.
gnomAD v4.1: 15 of 1,613,792 alleles (0.00093%); highest among the groups gnomAD compares: Non-Finnish European, 0.0013%; no homozygotes.

Submissions (4):

Victorian Clinical Genetics Services, Murdoch Childrens Research Institute
Classification: Uncertain significance for Catecholaminergic polymorphic ventricular tachycardia 2. Last evaluated: 2025-08-22. Review status: criteria provided, single submitter. Criteria: ACMG Guidelines, 2015. Collection method: clinical testing. Allele origin: germline. Affected: yes.
Comment: This variant is classified as VUS-3B. Evidence in support of pathogenic classification: Variant is present in gnomAD <0.01 (v4: 15 heterozygote(s), 0 homozygote(s)). Additional information: Variant is predicted to result in a missense amino acid change from Val to Ala; This variant is heterozygous; This gene is associated with both recessive and dominant disease. There is definitive evidence for autosomal recessive CPVT and moderate evidence for autosomal dominant CPVT (ClinGen); Alternative amino acid change(s) at the same position are present in gnomAD (v4: 1 heterozygote(s), 0 homozygote(s)); Previous evidence of pathogenicity for this variant is inconclusive. This variant has been classified as a VUS by multiple clinical laboratories in Clinvar, including in an individual with hypertrophic cardiomyopathy (HCM) who also has a nonsense variant in ALPK3 (Ambry Genetics personal correspondence). It has also been classified as a VUS in a case of sudden cardiac death (VKGL personal correspondence). Additionally, it has been reported in the literature in an individual with HCM (PMID: 37477868), however this gene-disease association with HCM is disputed (ClinGen); No published evidence of segregation with disease has been identified for this variant; No published functional evidence has been identified for this variant; No comparable missense variants have previous evidence for pathogenicity; Variant is located in the annotated calsequestrin domain (DECIPHER); Missense variant with inconclusive in silico prediction and uninformative conservation; Loss of function is a known mechanism of disease in this gene and is associated with catecholaminergic polymorphic ventricular tachycardia 2 (MIM#611938); The condition associated with this gene has incomplete penetrance. Among CASQ2 homozygotes and compound heterozygotes, clinical penetrance was 97.1%, while 33.3% of CASQ2 heterozygous family members met diagnostic criteria for CPVT (PMID: 32693635); Inheritance information for this variant is not currently available in this individual.

Ambry Genetics
Classification: Uncertain significance for Cardiovascular phenotype. Last evaluated: 2024-08-11. Review status: criteria provided, single submitter. Criteria: Ambry Variant Classification Scheme 2023. Collection method: clinical testing. Allele origin: germline.
Comment: The p.V94A variant (also known as c.281T>C), located in coding exon 2 of the CASQ2 gene, results from a T to C substitution at nucleotide position 281. The valine at codon 94 is replaced by alanine, an amino acid with similar properties. This amino acid position is conserved. In addition, the in silico prediction for this alteration is inconclusive. Based on the available evidence, the clinical significance of this variant remains unclear.

Labcorp Genetics (formerly Invitae), Labcorp
Classification: Uncertain significance for Catecholaminergic polymorphic ventricular tachycardia 1. Last evaluated: 2024-07-08. Review status: criteria provided, single submitter. Criteria: Invitae Variant Classification Sherloc (09022015). Collection method: clinical testing. Allele origin: germline.
Comment: This sequence change replaces valine, which is neutral and non-polar, with alanine, which is neutral and non-polar, at codon 94 of the CASQ2 protein (p.Val94Ala). This variant is present in population databases (rs755766840, gnomAD 0.003%). This variant has not been reported in the literature in individuals affected with CASQ2-related conditions. ClinVar contains an entry for this variant (Variation ID: 1435834). Advanced modeling of protein sequence and biophysical properties (such as structural, functional, and spatial information, amino acid conservation, physicochemical variation, residue mobility, and thermodynamic stability) performed at Invitae indicates that this missense variant is expected to disrupt CASQ2 protein function with a positive predictive value of 80%. In summary, the available evidence is currently insufficient to determine the role of this variant in disease. Therefore, it has been classified as a Variant of Uncertain Significance.

Genome-Nilou Lab
Classification: Uncertain significance for Catecholaminergic polymorphic ventricular tachycardia 2. Last evaluated: 2023-04-11. Review status: criteria provided, single submitter. Criteria: ACMG Guidelines, 2015. Collection method: clinical testing. Allele origin: germline. Affected: no.

Literature cited by the submitters: PubMed 37477868 (cited by Victorian Clinical Genetics Services, Murdoch Childrens Research Institute); PubMed 32693635 (cited by Victorian Clinical Genetics Services, Murdoch Childrens Research Institute).